The following is an entry in ClinVar:

NM_014795.4(ZEB2):c.1850A>G (p.His617Arg)

Gene: ZEB2 (zinc finger E-box binding homeobox 2; minus strand). Cytogenetic location: 2q22.3.
Variant type: single nucleotide variant.
Coding change: c.1850A>G on transcript NM_014795.4 (MANE Select); coding-DNA position 1850, A replaced by G.
Protein change: p.His617Arg; replaces histidine 617 with arginine.
Molecular consequence: missense variant.
Genome position (GRCh38, 1-based): chr2:144,399,337, T>C on the plus strand (A>G on the coding strand, the complement: ZEB2 is on the minus strand). VCF-style: chr2-144399337-T-C. GRCh37 (hg19) VCF-style: chr2-145156904-T-C.
Other names: c.1778A>G, p.His593Arg (NM_001171653.2); short protein forms H593R, H617R.
Identifiers: ClinVar variation 1039201 (VCV001039201.8), dbSNP rs1448603705, ClinGen allele CA348710008.

ClinVar aggregate classification (germline): Uncertain significance (1 of 4 stars; one submission).

Conditions:
Mowat-Wilson syndrome (MOWS). Also called: Classic Mowat-Wilson Syndrome. Identifiers: Orphanet 2152, MedGen C1856113, MONDO:0009341, OMIM 235730.

Allele frequency attached by ClinVar (database versions not stated): gnomAD exomes below 0.00001; TOPMed 0.00001.
gnomAD v4.1: 2 of 1,614,174 alleles (0.00012%); highest among the groups gnomAD compares: Admixed American, 0.0017%; no homozygotes.

Submission:

Labcorp Genetics (formerly Invitae), Labcorp
Classification: Uncertain significance for Mowat-Wilson syndrome. Last evaluated: 2023-02-02. Review status: criteria provided, single submitter. Criteria: Invitae Variant Classification Sherloc (09022015). Collection method: clinical testing. Allele origin: germline.
Comment: This variant is present in population databases (no rsID available, gnomAD 0.003%). This variant has not been reported in the literature in individuals affected with ZEB2-related conditions. ClinVar contains an entry for this variant (Variation ID: 1039201). Algorithms developed to predict the effect of missense changes on protein structure and function (SIFT, PolyPhen-2, Align-GVGD) all suggest that this variant is likely to be tolerated. In summary, the available evidence is currently insufficient to determine the role of this variant in disease. Therefore, it has been classified as a Variant of Uncertain Significance. This sequence change replaces histidine, which is basic and polar, with arginine, which is basic and polar, at codon 617 of the ZEB2 protein (p.His617Arg).